The following is an entry in ClinVar:

ClinVar aggregate classification (germline): Pathogenic (1 of 4 stars; one submission).

Submission:

GeneDx
Classification: Pathogenic. Last evaluated: 2024-03-01. Review status: criteria provided, single submitter. Criteria: GeneDx Variant Classification Process June 2021. Collection method: clinical testing. Allele origin: germline. Affected: yes.
Comment: Frameshift variant predicted to result in protein truncation or nonsense mediated decay in a gene for which loss of function is a known mechanism of disease; Not observed at significant frequency in large population cohorts (gnomAD); This variant is associated with the following publications: (PMID: 36186434)

NM_001009944.3(PKD1):c.10026del (p.Leu3343fs)

Gene: PKD1 (polycystin 1, transient receptor potential channel interacting; minus strand). Cytogenetic location: 16p13.3.
Variant type: Deletion.
Coding change: c.10026del on transcript NM_001009944.3 (MANE Select); coding-DNA position 10026, one base deleted (T; older notation c.10026delT).
Protein change: p.Leu3343fs; shifts the reading frame from leucine 3343.
Molecular consequence: frameshift variant.
Genome position (GRCh38, 1-based): chr16:2,099,668, A deleted on the plus strand (T on the coding strand, the reverse complement: PKD1 is on the minus strand); the first of 5 consecutive A bases (chr16:2,099,668-2,099,672); deleting any one gives the same sequence. VCF-style (leftmost placement, unchanged base first): chr16-2099667-GA-G. GRCh37 (hg19) VCF-style: chr16-2149668-GA-G.
Other names: c.10026del, p.Leu3343fs (NM_000296.4); c.10022delT, p.Leu3343Serfs (NM_001009944.2); short protein forms L3343fs.
Identifiers: ClinVar variation 3373450 (VCV003373450.1).
Genomic context (GRCh38, chr16:2,099,667, plus strand): 5'-CATTCCCAGTACTCCCGGGTCCCCAGCCCCAGCCCACCTTGCTCCGGGACATCCGGAAGA[GA>G]AAAAGGATGGCCAGGTAGACGGGATAGACAACCACGCTGGACACCAGGCCAACAGCGACT-3'